The following is an entry in ClinVar:

ClinVar aggregate classification (germline): Uncertain significance (1 of 4 stars; one submission).

Allele frequency attached by ClinVar (database versions not stated): gnomAD exomes 0.00001.
gnomAD v4.1: 3 of 1,613,416 alleles (0.00019%); highest among the groups gnomAD compares: Non-Finnish European, 0.00025%; no homozygotes.

Submission:

Labcorp Genetics (formerly Invitae), Labcorp
Classification: Uncertain significance. Last evaluated: 2022-04-20. Review status: criteria provided, single submitter. Criteria: Invitae Variant Classification Sherloc (09022015). Collection method: clinical testing. Allele origin: germline.
Comment: In summary, the available evidence is currently insufficient to determine the role of this variant in disease. Therefore, it has been classified as a Variant of Uncertain Significance. Algorithms developed to predict the effect of missense changes on protein structure and function are either unavailable or do not agree on the potential impact of this missense change (SIFT: "Tolerated"; PolyPhen-2: "Probably Damaging"; Align-GVGD: "Class C0"). This variant has not been reported in the literature in individuals affected with PPCS-related conditions. This variant is not present in population databases (gnomAD no frequency). This sequence change replaces leucine, which is neutral and non-polar, with valine, which is neutral and non-polar, at codon 203 of the PPCS protein (p.Leu203Val).

NM_024664.4(PPCS):c.607C>G (p.Leu203Val)

Genes: CCDC30 (coiled-coil domain containing 30; plus strand), PPCS (phosphopantothenoylcysteine synthetase; plus strand). Cytogenetic location: 1p34.2.
Variant type: single nucleotide variant.
Coding change: c.607C>G on transcript NM_024664.4 (MANE Select); coding-DNA position 607, C replaced by G.
Protein change: p.Leu203Val; replaces leucine 203 with valine.
Molecular consequence: missense variant. On other transcripts: 5 prime UTR variant (2).
Genome position (GRCh38, 1-based): chr1:42,457,345, C>G. VCF-style: chr1-42457345-C-G. GRCh37 (hg19) VCF-style: chr1-42923016-C-G.
Other names: c.88C>G, p.Leu30Val (NM_001287508.2, NM_001287509.2, NM_001287510.2 and 2 more transcripts); c.607C>G, p.Leu203Val (NM_001287511.2); c.-885C>G (NM_001355226.2); c.-229C>G (NM_001287507.1); short protein forms L203V, L30V.
Identifiers: ClinVar variation 2075214 (VCV002075214.3), dbSNP rs2522611174, ClinGen allele CA339948306.